The following is an entry in ClinVar:

ClinVar aggregate classification (germline): Uncertain significance (1 of 4 stars; one submission).

Conditions:
Developmental and epileptic encephalopathy, 32 (DEE32). Also called: Epileptic encephalopathy, early infantile, 32. Identifiers: Orphanet 442835, MedGen C4225350, MONDO:0014607, OMIM 616366.

Submission:

Labcorp Genetics (formerly Invitae), Labcorp
Classification: Uncertain significance for Developmental and epileptic encephalopathy, 32. Last evaluated: 2022-01-26. Review status: criteria provided, single submitter. Criteria: Invitae Variant Classification Sherloc (09022015). Collection method: clinical testing. Allele origin: germline.
Comment: This variant has not been reported in the literature in individuals affected with KCNA2-related conditions. In summary, the available evidence is currently insufficient to determine the role of this variant in disease. Therefore, it has been classified as a Variant of Uncertain Significance. Advanced modeling of protein sequence and biophysical properties (such as structural, functional, and spatial information, amino acid conservation, physicochemical variation, residue mobility, and thermodynamic stability) performed at Invitae indicates that this missense variant is expected to disrupt KCNA2 protein function. This variant is not present in population databases (gnomAD no frequency). This sequence change replaces leucine, which is neutral and non-polar, with proline, which is neutral and non-polar, at codon 314 of the KCNA2 protein (p.Leu314Pro).

NM_004974.4(KCNA2):c.941T>C (p.Leu314Pro)

Gene: KCNA2 (potassium voltage-gated channel subfamily A member 2; minus strand). Cytogenetic location: 1p13.3.
Variant type: single nucleotide variant.
Coding change: c.941T>C on transcript NM_004974.4 (MANE Select); coding-DNA position 941, T replaced by C.
Protein change: p.Leu314Pro; replaces leucine 314 with proline.
Molecular consequence: missense variant. On other transcripts: intron variant (1).
Genome position (GRCh38, 1-based): chr1:110,603,842, A>G on the plus strand (T>C on the coding strand, the complement: KCNA2 is on the minus strand). VCF-style: chr1-110603842-A-G. GRCh37 (hg19) VCF-style: chr1-111146464-A-G.
Other names: c.894+47T>C (NM_001204269.2); short protein forms L314P.
Identifiers: ClinVar variation 2089519 (VCV002089519.4), dbSNP rs2524617786, ClinGen allele CA341602673.